The following is an entry in ClinVar:

NM_002439.5(MSH3):c.688A>G (p.Thr230Ala)

Gene: MSH3 (mutS homolog 3; plus strand). Cytogenetic location: 5q14.1.
Variant type: single nucleotide variant.
Coding change: c.688A>G on transcript NM_002439.5 (MANE Select); coding-DNA position 688, A replaced by G.
Protein change: p.Thr230Ala; replaces threonine 230 with alanine.
Molecular consequence: missense variant.
Genome position (GRCh38, 1-based): chr5:80,670,205, A>G. VCF-style: chr5-80670205-A-G. GRCh37 (hg19) VCF-style: chr5-79966024-A-G.
Other names: short protein forms T230A.
Identifiers: ClinVar variation 2089065 (VCV002089065.4), dbSNP rs2546721146, ClinGen allele CA360266768.
Genomic context (GRCh38, chr5:80,670,205, plus strand): 5'-CATGAAAATTTACAGAAAACTGCTTCCAAATCAGCTAACAAACGGTCCAAAAGCATCTAT[A>G]CGCCGCTAGAATTACAATACATAGAAATGAAGCAGCAGCACAAAGATGCAGTTTTGTGTG-3'
Protein context (NP_002430.3, residues 220-240): SANKRSKSIY[Thr230Ala]PLELQYIEMK

ClinVar aggregate classification (germline): Uncertain significance (1 of 4 stars; one submission).

Submission:

Labcorp Genetics (formerly Invitae), Labcorp
Classification: Uncertain significance. Last evaluated: 2022-01-22. Review status: criteria provided, single submitter. Criteria: Invitae Variant Classification Sherloc (09022015). Collection method: clinical testing. Allele origin: germline.
Comment: In summary, the available evidence is currently insufficient to determine the role of this variant in disease. Therefore, it has been classified as a Variant of Uncertain Significance. Algorithms developed to predict the effect of missense changes on protein structure and function are either unavailable or do not agree on the potential impact of this missense change (SIFT: "Deleterious"; PolyPhen-2: "Probably Damaging"; Align-GVGD: "Class C0"). This sequence change replaces threonine, which is neutral and polar, with alanine, which is neutral and non-polar, at codon 230 of the MSH3 protein (p.Thr230Ala). This variant is not present in population databases (gnomAD no frequency). This variant has not been reported in the literature in individuals affected with MSH3-related conditions.